The following is an entry in ClinVar:

ClinVar aggregate classification (germline): Uncertain significance. Review status: criteria provided, multiple submitters, no conflicts (2 of 4 stars). 4 submissions from 4 submitters: Uncertain significance (3). 1 of the submissions does not count toward it. Last evaluated 2023-10-13.

Conditions:
Charlevoix-Saguenay spastic ataxia (SACS). Also called: SPASTIC ATAXIA 6, AUTOSOMAL RECESSIVE; Spastic ataxia of Charlevoix-Saguenay; AUTOSOMAL RECESSIVE SPASTIC ATAXIA OF CHARLEVOIX-SAGUENAY. Identifiers: Orphanet 98, MedGen C1849140, MONDO:0010041, OMIM 270550.
Hereditary spastic paraplegia. Also called: Familial spastic paraparesis. Identifiers: Orphanet 685, MedGen C0037773, MONDO:0019064. Disease mechanism: loss of function.

Submissions (4):

Mayo Clinic Laboratories, Mayo Clinic
Classification: Uncertain significance. Last evaluated: 2023-10-13. Review status: criteria provided, single submitter. Criteria: ACMG Guidelines, 2015. Collection method: clinical testing. Allele origin: germline. Observed: 1 variant allele.
Comment: PM2_moderate

Athena Diagnostics
Classification: Uncertain significance. Last evaluated: 2022-04-05. Review status: criteria provided, single submitter. Criteria: Athena Diagnostics Criteria. Collection method: clinical testing. Allele origin: unknown.

Genome Diagnostics Laboratory, The Hospital for Sick Children
Classification: Uncertain significance for Hereditary spastic paraplegia. Last evaluated: 2018-03-01. Review status: criteria provided, single submitter. Criteria: ACMG Guidelines, 2015. Collection method: clinical testing. Allele origin: germline. Affected: yes.

Counsyl
Classification: Uncertain significance for Charlevoix-Saguenay spastic ataxia. Last evaluated: 2018-01-12. Review status: no assertion criteria provided. Collection method: clinical testing. Allele origin: unknown. Not counted in ClinVar's aggregate classification.

NM_014363.6(SACS):c.5149_5151del (p.Lys1717del)

Gene: SACS (sacsin molecular chaperone; minus strand). Cytogenetic location: 13q12.12.
Variant type: Deletion.
Coding change: c.5149_5151del on transcript NM_014363.6 (MANE Select); coding-DNA positions 5149 to 5151, 3 bases deleted (AAA; older notation c.5149_5151delAAA).
Protein change: p.Lys1717del; deletes lysine 1717.
Molecular consequence: inframe deletion.
Genome position (GRCh38, 1-based): chr13:23,338,725-23,338,727, TTT deleted on the plus strand (AAA on the coding strand, the reverse complement: SACS is on the minus strand); deleting any 3 consecutive bases within chr13:23,338,725-23,338,733 gives the same sequence; the c. name uses the placement nearest the transcript's 3' end. VCF-style (leftmost placement, unchanged base first): chr13-23338724-ATTT-A. GRCh37 (hg19) VCF-style: chr13-23912863-ATTT-A.
Other names: p.Lys1717del; c.5149_5151delAAA (NM_014363.4); c.4708_4710del, p.Lys1570del (NM_001278055.2); short protein forms K1717del, K1570del.
Identifiers: ClinVar variation 556068 (VCV000556068.7), dbSNP rs754439135, ClinGen allele CA6911292.